The following is an entry in ClinVar:

NM_000038.6(APC):c.4047C>G (p.His1349Gln)

Gene: APC (APC regulator of Wnt signaling pathway; plus strand). Cytogenetic location: 5q22.2.
Variant type: single nucleotide variant.
Coding change: c.4047C>G on transcript NM_000038.6 (MANE Select); coding-DNA position 4047, C replaced by G.
Protein change: p.His1349Gln; replaces histidine 1349 with glutamine.
Molecular consequence: missense variant.
Genome position (GRCh38, 1-based): chr5:112,839,641, C>G. VCF-style: chr5-112839641-C-G. GRCh37 (hg19) VCF-style: chr5-112175338-C-G.
Other names: c.4047C>G, p.His1349Gln (NM_001127510.3, NM_001354895.2); c.3993C>G, p.His1331Gln (NM_001127511.3); c.4077C>G, p.His1359Gln (NM_001354897.2); c.3963C>G, p.His1321Gln (NM_001354899.2); c.4101C>G, p.His1367Gln (NM_001354896.2); c.3972C>G, p.His1324Gln (NM_001354898.2); c.3924C>G, p.His1308Gln (NM_001354900.2); c.3870C>G, p.His1290Gln (NM_001354901.2); and 5 more; short protein forms H1349Q, H1331Q, H1066Q, H1321Q, H1189Q, H1248Q, H1258Q, H1308Q.
Identifiers: ClinVar variation 627815 (VCV000627815.18), dbSNP rs1561589419, ClinGen allele CA16030201.

ClinVar aggregate classification (germline): Uncertain significance. Review status: criteria provided, multiple submitters, no conflicts (2 of 4 stars). 5 submissions from 5 submitters: Uncertain significance (5). Last evaluated 2025-05-16.

Conditions:
Classic or attenuated familial adenomatous polyposis. Identifiers: MedGen CN372698, MONDO:0021057.
Hereditary cancer-predisposing syndrome. Also called: Tumor predisposition; Hereditary Cancer Syndrome; Neoplastic Syndromes, Hereditary; Hereditary neoplastic syndrome. Identifiers: Orphanet 140162, MedGen C0027672, MeSH D009386, MONDO:0015356.
Familial adenomatous polyposis 1 (FAP1). Also called: FAMILIAL ADENOMATOUS POLYPOSIS 1, ATTENUATED; POLYPOSIS, ADENOMATOUS INTESTINAL. Identifiers: MedGen C2713442, MONDO:0021056, OMIM 175100. Disease mechanism: loss of function.

gnomAD v4.1: 1 of 1,614,146 alleles (0.000062%); highest among the groups gnomAD compares: Non-Finnish European, 0.000085%; no homozygotes.

Submissions (5):

Ambry Genetics
Classification: Uncertain significance for Hereditary cancer-predisposing syndrome. Last evaluated: 2025-05-16. Review status: criteria provided, single submitter. Criteria: Ambry Variant Classification Scheme 2023. Collection method: clinical testing. Allele origin: germline.
Comment: The p.H1349Q variant (also known as c.4047C>G), located in coding exon 15 of the APC gene, results from a C to G substitution at nucleotide position 4047. The histidine at codon 1349 is replaced by glutamine, an amino acid with highly similar properties. This amino acid position is conserved. In addition, in silico predictors for this gene do not accurately predict pathogenicity. Since supporting evidence is limited at this time, the clinical significance of this alteration remains unclear.

Color Diagnostics, LLC DBA Color Health
Classification: Uncertain significance for Hereditary cancer-predisposing syndrome. Last evaluated: 2024-03-06. Review status: criteria provided, single submitter. Criteria: ACMG Guidelines, 2015. Collection method: clinical testing. Allele origin: germline.
Comment: This missense variant replaces histidine with glutamine at codon 1349 of the APC protein. Computational prediction suggests that this variant may not impact protein structure and function (internally defined REVEL score threshold <= 0.5, PMID: 27666373). To our knowledge, functional studies have not been reported for this variant. This variant has not been reported in individuals affected with APC-related disorders in the literature. This variant has not been identified in the general population by the Genome Aggregation Database (gnomAD). The available evidence is insufficient to determine the role of this variant in disease conclusively. Therefore, this variant is classified as a Variant of Uncertain Significance.

Labcorp Genetics (formerly Invitae), Labcorp
Classification: Uncertain significance for Familial adenomatous polyposis 1. Last evaluated: 2024-01-09. Review status: criteria provided, single submitter. Criteria: Invitae Variant Classification Sherloc (09022015). Collection method: clinical testing. Allele origin: germline.
Comment: This sequence change replaces histidine, which is basic and polar, with glutamine, which is neutral and polar, at codon 1349 of the APC protein (p.His1349Gln). This variant is not present in population databases (gnomAD no frequency). This variant has not been reported in the literature in individuals affected with APC-related conditions. ClinVar contains an entry for this variant (Variation ID: 627815). Advanced modeling of protein sequence and biophysical properties (such as structural, functional, and spatial information, amino acid conservation, physicochemical variation, residue mobility, and thermodynamic stability) performed at Invitae indicates that this missense variant is not expected to disrupt APC protein function with a negative predictive value of 95%. In summary, the available evidence is currently insufficient to determine the role of this variant in disease. Therefore, it has been classified as a Variant of Uncertain Significance.

GeneDx
Classification: Uncertain significance. Last evaluated: 2023-10-09. Review status: criteria provided, single submitter. Criteria: GeneDx Variant Classification Process June 2021. Collection method: clinical testing. Allele origin: germline. Affected: yes.
Comment: Not observed at significant frequency in large population cohorts (gnomAD); In silico analysis supports that this missense variant does not alter protein structure/function; Has not been previously published as pathogenic or benign to our knowledge

All of Us Research Program, National Institutes of Health
Classification: Uncertain significance for Classic or attenuated familial adenomatous polyposis. Last evaluated: 2023-09-17. Review status: criteria provided, single submitter. Criteria: ACMG Guidelines, 2015. Collection method: clinical testing. Allele origin: germline. Inheritance: Autosomal dominant inheritance. Observed: 2 variant alleles, 2 heterozygotes.
Comment: This missense variant replaces histidine with glutamine at codon 1349 of the APC protein. Computational prediction suggests that this variant may not impact protein structure and function (internally defined REVEL score threshold <= 0.5, PMID: 27666373). To our knowledge, functional studies have not been reported for this variant. This variant has not been reported in individuals affected with APC-related disorders in the literature. This variant has not been identified in the general population by the Genome Aggregation Database (gnomAD). The available evidence is insufficient to determine the role of this variant in disease conclusively. Therefore, this variant is classified as a Variant of Uncertain Significance.

This study involves interpretation of variants in research participants for the purpose of population health screening. Participant phenotype was not available at the time of variant classification. Additional details can be found in publication PMID: 35346344, PMCID: PMC8962531